The following is an entry in ClinVar:

NM_001042492.3(NF1):c.2958_2961dup (p.Ile988Ter)

Gene: NF1 (neurofibromin 1; plus strand). Cytogenetic location: 17q11.2.
Variant type: Duplication.
Coding change: c.2958_2961dup on transcript NM_001042492.3 (MANE Select); coding-DNA positions 2958 to 2961, 4 bases duplicated (TAGC; older notation c.2958_2961dupTAGC).
Protein change: p.Ile988Ter; replaces isoleucine 988 with a stop codon.
Molecular consequence: nonsense.
Genome position (GRCh38, 1-based): chr17:31,229,942-31,229,945, TAGC duplicated; duplicating any 4 consecutive bases within chr17:31,229,939-31,229,945 gives the same sequence; the c. name uses the placement nearest the transcript's 3' end. VCF-style (leftmost placement, unchanged base first): chr17-31229938-A-AAGCT. GRCh37 (hg19) VCF-style: chr17-29556956-A-AAGCT.
Other names: c.2958_2961dup, p.Ile988Ter (NM_000267.4); short protein forms I988*.
Identifiers: ClinVar variation 4723030 (VCV004723030.1).
Genomic context (GRCh38, chr17:31,229,938, plus strand): 5'-TAGCTATAATGAAGAACTTGCTAGATAATCATACTGAAGGCAGCTCTGAACATCTAGGGC[A>AAGCT]AGCTAGCATTGAAACAATGATGTTAAATCTGGTCAGGTAAGCATTCTACTGAAATGTAGC-3'

ClinVar aggregate classification (germline): Pathogenic (1 of 4 stars; one submission).

Conditions:
Neurofibromatosis, type 1 (NF1). Also called: NEUROFIBROMATOSIS, TYPE I, SOMATIC; VON RECKLINGHAUSEN DISEASE; Peripheral type neurofibromatosis; Neurofibromatosis, type I. Identifiers: Orphanet 636, MedGen C0027831, MONDO:0018975, OMIM 162200. Disease mechanism: loss of function.

Submission:

Labcorp Genetics (formerly Invitae), Labcorp
Classification: Pathogenic for Neurofibromatosis, type 1. Last evaluated: 2025-07-13. Review status: criteria provided, single submitter. Criteria: Invitae Variant Classification Sherloc (09022015). Collection method: clinical testing. Allele origin: germline.
Comment: This sequence change creates a premature translational stop signal (p.Ile988*) in the NF1 gene. It is expected to result in an absent or disrupted protein product. Loss-of-function variants in NF1 are known to be pathogenic (PMID: 10712197, 23913538). This variant is not present in population databases (gnomAD no frequency). This variant has not been reported in the literature in individuals affected with NF1-related conditions. Algorithms developed to predict the effect of sequence changes on RNA splicing suggest that this variant may disrupt the consensus splice site. For these reasons, this variant has been classified as Pathogenic.

Literature cited by the submitters: PubMed 10712197; PubMed 23913538.